The following is an entry in ClinVar:

ClinVar aggregate classification (germline): Benign/Likely benign. Review status: criteria provided, multiple submitters, no conflicts (2 of 4 stars). 2 submissions from 2 submitters: Benign (1); Likely benign (1). Last evaluated 2025-07-23.

Conditions:
Nemaline myopathy 6 (NEM6). Also called: Nemaline myopathy 6, autosomal dominant. Identifiers: Orphanet 171439, MedGen C1836472, MONDO:0012237, OMIM 609273.

Allele frequency attached by ClinVar (database versions not stated): gnomAD exomes 0.00011; TOPMed 0.00022; 1000 Genomes Project 30x 0.00031; gnomAD 0.00032; 1000 Genomes Project 0.00080.

Submissions (2):

Labcorp Genetics (formerly Invitae), Labcorp
Classification: Likely benign for Nemaline myopathy 6. Last evaluated: 2025-07-23. Review status: criteria provided, single submitter. Criteria: Invitae Variant Classification Sherloc (09022015). Collection method: clinical testing. Allele origin: germline.

Illumina Laboratory Services, Illumina
Classification: Benign for Nemaline myopathy 6. Last evaluated: 2018-01-12. Review status: criteria provided, single submitter. Criteria: ICSL Variant Classification Criteria 13 December 2019. Collection method: clinical testing. Allele origin: germline.
Comment: This variant was observed in the ICSL laboratory as part of a predisposition screen in an ostensibly healthy population. It had not been previously curated by ICSL or reported in the Human Gene Mutation Database (HGMD: prior to June 1st, 2018), and was therefore a candidate for classification through an automated scoring system. Utilizing variant allele frequency, disease prevalence and penetrance estimates, and inheritance mode, an automated score was calculated to assess if this variant is too frequent to cause the disease. Based on the score and internal cut-off values, a variant classified as benign is not then subjected to further curation. The score for this variant resulted in a classification of benign for this disease.

NM_001101362.3(KBTBD13):c.471C>T (p.Tyr157=)

Gene: KBTBD13 (kelch repeat and BTB domain containing 13; plus strand). Cytogenetic location: 15q22.31.
Variant type: single nucleotide variant.
Coding change: c.471C>T on transcript NM_001101362.3 (MANE Select); coding-DNA position 471, C replaced by T.
Protein change: p.Tyr157=; no amino-acid change (tyrosine 157 retained).
Molecular consequence: synonymous variant.
Genome position (GRCh38, 1-based): chr15:65,077,286, C>T. VCF-style: chr15-65077286-C-T. GRCh37 (hg19) VCF-style: chr15-65369624-C-T.
Identifiers: ClinVar variation 316742 (VCV000316742.17), dbSNP rs550724858, ClinGen allele CA10646454.
Genomic context (GRCh38, chr15:65,077,286, plus strand): 5'-GGCCGAACTGGCGCTGCCTGAGGCCCGCGCCTACGTGGCGGCCCTGCGGCCCAGCAGCTA[C>T]GCGGCCGTGAGCACGCACACGCCCGCGCCCGGCTTCCTGGAGGACGCCTCGCGCACGCTG-3'
Protein context (NP_001094832.1, residues 147-167): AYVAALRPSS[Tyr157=]AAVSTHTPAP